The following is an entry in ClinVar:

NM_006446.5(SLCO1B1):c.1308C>T (p.Ala436=)

Gene: SLCO1B1 (solute carrier organic anion transporter family member 1B1; plus strand). Cytogenetic location: 12p12.1.
Variant type: single nucleotide variant.
Coding change: c.1308C>T on transcript NM_006446.5 (MANE Select); coding-DNA position 1308, C replaced by T.
Protein change: p.Ala436=; no amino-acid change (alanine 436 retained).
Molecular consequence: synonymous variant.
Genome position (GRCh38, 1-based): chr12:21,202,663, C>T. VCF-style: chr12-21202663-C-T. GRCh37 (hg19) VCF-style: chr12-21355597-C-T.
Identifiers: ClinVar variation 3057802 (VCV003057802.2), dbSNP rs139049237, ClinGen allele CA6476970.
Genomic context (GRCh38, chr12:21,202,663, plus strand): 5'-GATGTCATTGTCCTTTTACCTATTATATTTTTTCATACTCTGTGAAAACAAATCAGTTGC[C>T]GGACTAACCATGACCTATGATGGGTTTGTATATATCACTATATCAATTGCATAATATGTT-3'
Protein context (NP_006437.3, residues 426-446): FFILCENKSV[Ala436=]GLTMTYDGNN

ClinVar aggregate classification (germline): Likely benign (0 of 4 stars; one submission).

Conditions:
SLCO1B1-related disorder. Also called: SLCO1B1-related condition.

Allele frequency attached by ClinVar (database versions not stated): gnomAD exomes 0.00004; ExAC 0.00013; 1000 Genomes Project 0.00020; 1000 Genomes Project 30x 0.00031; ESP Exome Variant Server 0.00038; gnomAD 0.00040; TOPMed 0.00042.

Submission:

PreventionGenetics, part of Exact Sciences
Classification: Likely benign for SLCO1B1-related condition. Last evaluated: 2023-12-15. Review status: no assertion criteria provided. Collection method: clinical testing. Allele origin: germline.
Comment: This variant is classified as likely benign based on ACMG/AMP sequence variant interpretation guidelines (Richards et al. 2015 PMID: 25741868, with internal and published modifications).